The following is an entry in ClinVar:

NM_001939.3(DRP2):c.1558G>A (p.Ala520Thr)

Gene: DRP2 (dystrophin related protein 2; plus strand). Cytogenetic location: Xq22.1.
Variant type: single nucleotide variant.
Coding change: c.1558G>A on transcript NM_001939.3 (MANE Select); coding-DNA position 1558, G replaced by A.
Protein change: p.Ala520Thr; replaces alanine 520 with threonine.
Molecular consequence: missense variant.
Genome position (GRCh38, 1-based): chrX:101,250,440, G>A. VCF-style: chrX-101250440-G-A. GRCh37 (hg19) VCF-style: chrX-100505429-G-A.
Other names: c.1324G>A, p.Ala442Thr (NM_001171184.2); short protein forms A442T, A520T.
Identifiers: ClinVar variation 4807877 (VCV004807877.1).

ClinVar aggregate classification (germline): Uncertain significance (1 of 4 stars; one submission).

gnomAD v4.1: 1 of 1,209,800 alleles (0.000083%); highest among the groups gnomAD compares: Non-Finnish European, 0.00011%; no homozygotes.

Submission:

Labcorp Genetics (formerly Invitae), Labcorp
Classification: Uncertain significance. Last evaluated: 2025-05-13. Review status: criteria provided, single submitter. Criteria: Invitae Variant Classification Sherloc (09022015). Collection method: clinical testing. Allele origin: germline.
Comment: This sequence change replaces alanine, which is neutral and non-polar, with threonine, which is neutral and polar, at codon 520 of the DRP2 protein (p.Ala520Thr). This variant is not present in population databases (gnomAD no frequency). This variant has not been reported in the literature in individuals affected with DRP2-related conditions. Invitae Evidence Modeling of protein sequence and biophysical properties (such as structural, functional, and spatial information, amino acid conservation, physicochemical variation, residue mobility, and thermodynamic stability) has been performed for this missense variant. However, the output from this modeling did not meet the statistical confidence thresholds required to predict the impact of this variant on DRP2 protein function. In summary, the available evidence is currently insufficient to determine the role of this variant in disease. Therefore, it has been classified as a Variant of Uncertain Significance.